The following is an entry in ClinVar:

ClinVar aggregate classification (germline): Likely benign. Review status: criteria provided, single submitter (1 of 4 stars). 2 submissions from 2 submitters: Likely benign (1). 1 of the submissions does not count toward it. Last evaluated 2025-11-25.

Conditions:
ALG1-congenital disorder of glycosylation. Also called: ALG1-CDG; CDG Ik; CONGENITAL DISORDER OF GLYCOSYLATION, TYPE Ik. Identifiers: Orphanet 79327, MedGen C2931005, MONDO:0012052, OMIM 608540.
ALG1-related disorder. Also called: ALG1-related condition.

Allele frequency attached by ClinVar (database versions not stated): gnomAD 0.00002; gnomAD exomes 0.00005; ExAC 0.00008.
gnomAD v4.1: 38 of 1,612,726 alleles (0.0024%); highest among the groups gnomAD compares: South Asian, 0.042%; no homozygotes.

Submissions (2):

Labcorp Genetics (formerly Invitae), Labcorp
Classification: Likely benign for ALG1-congenital disorder of glycosylation. Last evaluated: 2025-11-25. Review status: criteria provided, single submitter. Criteria: Invitae Variant Classification Sherloc (09022015). Collection method: clinical testing. Allele origin: germline.

PreventionGenetics, part of Exact Sciences
Classification: Likely benign for ALG1-related condition. Last evaluated: 2019-05-20. Review status: no assertion criteria provided. Collection method: clinical testing. Allele origin: germline. Not counted in ClinVar's aggregate classification.
Comment: This variant is classified as likely benign based on ACMG/AMP sequence variant interpretation guidelines (Richards et al. 2015 PMID: 25741868, with internal and published modifications).

NM_019109.5(ALG1):c.774G>C (p.Ser258=)

Gene: ALG1 (ALG1 chitobiosyldiphosphodolichol beta-mannosyltransferase; plus strand). Cytogenetic location: 16p13.3.
Variant type: single nucleotide variant.
Coding change: c.774G>C on transcript NM_019109.5 (MANE Select); coding-DNA position 774, G replaced by C.
Protein change: p.Ser258=; no amino-acid change (serine 258 retained).
Molecular consequence: synonymous variant.
Genome position (GRCh38, 1-based): chr16:5,078,790, G>C. VCF-style: chr16-5078790-G-C. GRCh37 (hg19) VCF-style: chr16-5128791-G-C.
Other names: c.774G>C (NM_019109.4); c.441G>C, p.Ser147= (NM_001330504.2).
Identifiers: ClinVar variation 1087272 (VCV001087272.11), dbSNP rs757068692, ClinGen allele CA7890012.